The following is an entry in ClinVar:

ClinVar aggregate classification (germline): Likely benign (1 of 4 stars; one submission).

Conditions:
DDX6-related disorder. Also called: DDX6-related condition.

gnomAD v4.1: 38 of 1,609,296 alleles (0.0024%); highest among the groups gnomAD compares: Non-Finnish European, 0.003%; no homozygotes.

Submission:

PreventionGenetics, part of Exact Sciences
Classification: Likely benign for DDX6-related condition. Last evaluated: 2025-09-15. Review status: criteria provided, single submitter. Criteria: ACMG Guidelines, 2015. Collection method: clinical testing. Allele origin: germline.
Comment: This variant is classified as likely benign based on ACMG/AMP sequence variant interpretation guidelines (Richards et al. 2015 PMID: 25741868, with internal and published modifications).

NM_004397.6(DDX6):c.742-7A>C

Gene: DDX6 (DEAD-box helicase 6; minus strand). Cytogenetic location: 11q23.3.
Variant type: single nucleotide variant.
Coding change: c.742-7A>C on transcript NM_004397.6 (MANE Select); 7 bases into the intron before coding-DNA position 742, A replaced by C.
Molecular consequence: intron variant.
Genome position (GRCh38, 1-based): chr11:118,760,051, T>G on the plus strand (A>C on the coding strand, the complement: DDX6 is on the minus strand). VCF-style: chr11-118760051-T-G. GRCh37 (hg19) VCF-style: chr11-118630760-T-G.
Other names: c.742-7A>C (NM_001425146.1, NM_001425150.1, NM_001425149.1 and 2 more transcripts); c.418-7A>C (NM_001425154.1); c.739-7A>C (NM_001425147.1, NM_001425148.1); c.595-7A>C (NM_001425153.1, NM_001425152.1, NM_001425151.1).
Identifiers: ClinVar variation 4977018 (VCV004977018.1).